The following is an entry in ClinVar:

ClinVar aggregate classification (germline): Uncertain significance (1 of 4 stars; one submission).

Conditions:
Emery-Dreifuss muscular dystrophy (EDMD). Also called: Scapuloperoneal syndrome, X-linked (formerly); Humeroperoneal neuromuscular disease, (formerly). Identifiers: Orphanet 261, MedGen C0410189, MONDO:0016830.

Allele frequency attached by ClinVar (database versions not stated): gnomAD 0.00004; TOPMed 0.00005; ExAC 0.00006.
gnomAD v4.1: 129 of 1,599,164 alleles (0.0081%); highest among the groups gnomAD compares: Non-Finnish European, 0.011%; no homozygotes.

Submission:

Labcorp Genetics (formerly Invitae), Labcorp
Classification: Uncertain significance for Emery-Dreifuss muscular dystrophy. Last evaluated: 2025-02-03. Review status: criteria provided, single submitter. Criteria: Invitae Variant Classification Sherloc (09022015). Collection method: clinical testing. Allele origin: germline.
Comment: This sequence change falls in intron 10 of the SUN1 gene. It does not directly change the encoded amino acid sequence of the SUN1 protein. It affects a nucleotide within the consensus splice site. This variant is present in population databases (rs752485716, gnomAD 0.01%). This variant has not been reported in the literature in individuals affected with SUN1-related conditions. ClinVar contains an entry for this variant (Variation ID: 2714384). Variants that disrupt the consensus splice site are a relatively common cause of aberrant splicing (PMID: 17576681, 9536098). Algorithms developed to predict the effect of sequence changes on RNA splicing suggest that this variant is not likely to affect RNA splicing. In summary, the available evidence is currently insufficient to determine the role of this variant in disease. Therefore, it has been classified as a Variant of Uncertain Significance.

Literature cited by the submitters: PubMed 17576681; PubMed 9536098.

NM_001130965.3(SUN1):c.1263+4G>C

Gene: SUN1 (Sad1 and UNC84 domain containing 1; plus strand). Cytogenetic location: 7p22.3.
Variant type: single nucleotide variant.
Coding change: c.1263+4G>C on transcript NM_001130965.3 (MANE Select); 4 bases into the intron after coding-DNA position 1263, G replaced by C.
Molecular consequence: intron variant.
Genome position (GRCh38, 1-based): chr7:853,622, G>C. VCF-style: chr7-853622-G-C. GRCh37 (hg19) VCF-style: chr7-893259-G-C.
Other names: c.1263+4G>C (NM_001367634.1, NM_001367633.1, NM_001367653.1); c.1677+4G>C (NM_001367651.1); c.1290+4G>C (NM_001367669.1); c.1656+4G>C (NM_001367705.1, NM_001367703.1); c.1653+4G>C (NM_001367678.1, NM_001367699.1, NM_001367687.1); c.1554+4G>C (NM_001367690.1); c.1545+4G>C (NM_001367641.1, NM_001367682.1); c.1542+4G>C (NM_001367698.1); and 44 more.
Identifiers: ClinVar variation 2714384 (VCV002714384.3), dbSNP rs752485716, ClinGen allele CA4112116.
Genomic context (GRCh38, chr7:853,622, plus strand): 5'-GGCGCTGCCGGGCCGTCAGCTTCGGTCAGAGACGCTGTGGGACAGCCCCCGAGGGAGGTG[G>C]GTGCTGCCGGGCTACCAGGCTCCATGGTGACACCAACGCGCTTCTGGGTGCCATGTTCTC-3'